The following is an entry in ClinVar:

NM_000092.5(COL4A4):c.64G>A (p.Gly22Ser)

Gene: COL4A4 (collagen type IV alpha 4 chain; minus strand). Cytogenetic location: 2q36.3.
Variant type: single nucleotide variant.
Coding change: c.64G>A on transcript NM_000092.5 (MANE Select); coding-DNA position 64, G replaced by A.
Protein change: p.Gly22Ser; replaces glycine 22 with serine.
Molecular consequence: missense variant.
Genome position (GRCh38, 1-based): chr2:227,147,420, C>T on the plus strand (G>A on the coding strand, the complement: COL4A4 is on the minus strand). VCF-style: chr2-227147420-C-T. GRCh37 (hg19) VCF-style: chr2-228012136-C-T.
Other names: short protein forms G22S.
Identifiers: ClinVar variation 1314287 (VCV001314287.5), dbSNP rs779795137, ClinGen allele CA2145858.
Genomic context (GRCh38, chr2:227,147,420, plus strand): 5'-CATTGAGTAGAAATTACTAAATAAAAGCAGGCAATCACACTGAGGATACTCACCAGGGAC[C>T]TGTGGCCAAGGACTTGGTCAATCTGAAGGAGCACCTCATTAGTACTATGTGCAGAGACCA-3'
Protein context (NP_000083.3, residues 12-32): SFRLTKSLAT[Gly22Ser]PWSLILILFS

ClinVar aggregate classification (germline): Uncertain significance. Review status: criteria provided, multiple submitters, no conflicts (2 of 4 stars). 3 submissions from 3 submitters: Uncertain significance (3). Last evaluated 2024-05-23.

Conditions:
Autosomal recessive Alport syndrome (ATS2). Also called: COL4A4 Alport Syndrome and Thin Basement Membrane Nephropathy; Alport syndrome type 2; COL4A3-Related Nephropathy; ALPORT SYNDROME 2, AUTOSOMAL RECESSIVE. Identifiers: Orphanet 63, Orphanet 88919, MedGen C4746745, MONDO:0008762, OMIM 203780.
Benign familial hematuria. Also called: thin basement membrane disease. Identifiers: MedGen C0241908, MONDO:0957317.

Allele frequency attached by ClinVar (database versions not stated): TOPMed below 0.00001; gnomAD 0.00001; gnomAD exomes 0.00001; ExAC 0.00002.
gnomAD v4.1: 14 of 1,613,410 alleles (0.00087%); highest among the groups gnomAD compares: African/African-American, 0.0013%; no homozygotes.

Submissions (3):

Labcorp Genetics (formerly Invitae), Labcorp
Classification: Uncertain significance. Last evaluated: 2024-05-23. Review status: criteria provided, single submitter. Criteria: Invitae Variant Classification Sherloc (09022015). Collection method: clinical testing. Allele origin: germline.
Comment: This sequence change replaces glycine, which is neutral and non-polar, with serine, which is neutral and polar, at codon 22 of the COL4A4 protein (p.Gly22Ser). This variant is present in population databases (rs779795137, gnomAD 0.003%). This variant has not been reported in the literature in individuals affected with COL4A4-related conditions. ClinVar contains an entry for this variant (Variation ID: 1314287). Advanced modeling of protein sequence and biophysical properties (such as structural, functional, and spatial information, amino acid conservation, physicochemical variation, residue mobility, and thermodynamic stability) performed at Invitae indicates that this missense variant is not expected to disrupt COL4A4 protein function with a negative predictive value of 95%. In summary, the available evidence is currently insufficient to determine the role of this variant in disease. Therefore, it has been classified as a Variant of Uncertain Significance.

Fulgent Genetics
Classification: Uncertain significance for Hematuria, benign familial, 1; Autosomal recessive Alport syndrome. Last evaluated: 2021-08-15. Review status: criteria provided, single submitter. Criteria: ACMG Guidelines, 2015. Collection method: clinical testing. Allele origin: unknown.

GeneDx
Classification: Uncertain significance. Last evaluated: 2021-04-05. Review status: criteria provided, single submitter. Criteria: GeneDx Variant Classification Process June 2021. Collection method: clinical testing. Allele origin: germline. Affected: yes.
Comment: Not observed at a significant frequency in large population cohorts (Lek et al., 2016); In silico analysis supports that this missense variant does not alter protein structure/function; Has not been previously published as pathogenic or benign to our knowledge